The following is an entry in ClinVar:

ClinVar aggregate classification (germline): Conflicting classifications of pathogenicity. Review status: criteria provided, conflicting classifications (1 of 4 stars). 3 submissions from 3 submitters: Uncertain significance (2); Likely benign (1). Last evaluated 2025-03-31.

Conditions:
Developmental and epileptic encephalopathy, 48 (DEE48). Also called: Epileptic encephalopathy, early infantile, 48. Identifiers: MedGen C4310637, MONDO:0015000, OMIM 617276.
Inborn genetic diseases. Identifiers: MedGen C0950123, MeSH D030342.

Allele frequency attached by ClinVar (database versions not stated): ExAC 0.00001; gnomAD 0.00001; gnomAD exomes 0.00002 and 0.00003; TOPMed 0.00006.
gnomAD v4.1: 49 of 1,613,874 alleles (0.003%); highest among the groups gnomAD compares: South Asian, 0.0044%; no homozygotes.

Submissions (3):

Labcorp Genetics (formerly Invitae), Labcorp
Classification: Uncertain significance. Last evaluated: 2025-03-31. Review status: criteria provided, single submitter. Criteria: Invitae Variant Classification Sherloc (09022015). Collection method: clinical testing. Allele origin: germline.
Comment: This sequence change replaces arginine, which is basic and polar, with histidine, which is basic and polar, at codon 1023 of the AP3B2 protein (p.Arg1023His). This variant is present in population databases (rs779401895, gnomAD 0.005%). This variant has not been reported in the literature in individuals affected with AP3B2-related conditions. ClinVar contains an entry for this variant (Variation ID: 1367208). An algorithm developed to predict the effect of missense changes on protein structure and function (PolyPhen-2) suggests that this variant is likely to be disruptive. In summary, the available evidence is currently insufficient to determine the role of this variant in disease. Therefore, it has been classified as a Variant of Uncertain Significance.

3billion
Classification: Likely benign for Developmental and epileptic encephalopathy, 48. Last evaluated: 2024-09-20. Review status: criteria provided, single submitter. Criteria: ACMG Guidelines, 2015. Collection method: clinical testing. Allele origin: germline. Affected: no.
Comment: The homozygous variant was found in patients diagnosed with another variant in a different gene, with no symptoms related to the gene containing the homozygous variant.

Ambry Genetics
Classification: Uncertain significance for Inborn genetic diseases. Last evaluated: 2023-12-20. Review status: criteria provided, single submitter. Criteria: Ambry Variant Classification Scheme 2023. Collection method: clinical testing. Allele origin: germline.

NM_001278512.2(AP3B2):c.3125G>A (p.Arg1042His)

Genes: AP3B2 (adaptor related protein complex 3 subunit beta 2; minus strand), CPEB1-AS1 (CPEB1 antisense RNA 1; plus strand). Cytogenetic location: 15q25.2.
Variant type: single nucleotide variant.
Coding change: c.3125G>A on transcript NM_001278512.2 (MANE Select); coding-DNA position 3125, G replaced by A.
Protein change: p.Arg1042His; replaces arginine 1042 with histidine.
Molecular consequence: missense variant.
Genome position (GRCh38, 1-based): chr15:82,659,875, C>T on the plus strand (G>A on the coding strand, the complement: AP3B2 is on the minus strand). VCF-style: chr15-82659875-C-T. GRCh37 (hg19) VCF-style: chr15-83328627-C-T.
Other names: c.3068G>A (NM_004644.3); c.2972G>A, p.Arg991His (NM_001278511.2); c.257G>A, p.Arg86His (NM_001348441.2); c.3068G>A, p.Arg1023His (NM_004644.5); short protein forms R1023H, R1042H, R86H, R991H.
Identifiers: ClinVar variation 1367208 (VCV001367208.7), dbSNP rs779401895, ClinGen allele CA7699694.